The following is an entry in ClinVar:

ClinVar aggregate classification (germline): Uncertain significance. Review status: criteria provided, multiple submitters, no conflicts (2 of 4 stars). 3 submissions from 3 submitters: Uncertain significance (3). Last evaluated 2025-07-24.

Conditions:
Heterotopia, periventricular, X-linked dominant (PVNH1). Also called: PERIVENTRICULAR NODULAR HETEROTOPIA 1; X-linked periventricular heterotopia; PERIVENTRICULAR NODULAR HETEROTOPIA 4; HETEROTOPIA, PERIVENTRICULAR, 1. Identifiers: Orphanet 2149, Orphanet 82004, MedGen C1848213, MONDO:0010233, OMIM 300049.
Melnick-Needles syndrome (MNS). Also called: Melnick-Needles Syndrome (FLNA-MNS); MELNICK-NEEDLES OSTEODYSPLASTY; OSTEODYSPLASTY OF MELNICK AND NEEDLES. Identifiers: Orphanet 2484, MedGen C0025237, MONDO:0010650, OMIM 309350.
Frontometaphyseal dysplasia (FMD1). Identifiers: Orphanet 1826, MedGen C0265293, MONDO:0015942.
Oto-palato-digital syndrome, type II (OPD2). Also called: FACIOPALATOOSSEOUS SYNDROME; Otopalatodigital Syndrome Type 2 (FLNA-OPD2); OPD II SYNDROME; Otopalatodigital Syndrome, Type II. Identifiers: Orphanet 669, Orphanet 90652, MedGen C1844696, MONDO:0010571, OMIM 304120.
Familial thoracic aortic aneurysm and aortic dissection (TAAD). Also called: Thoracic aortic aneurysms and dissections. Identifiers: Orphanet 91387, MedGen C4707243, MONDO:0019625.

Allele frequency attached by ClinVar (database versions not stated): TOPMed below 0.00001; gnomAD exomes 0.00001.

Submissions (3):

Labcorp Genetics (formerly Invitae), Labcorp
Classification: Uncertain significance for Oto-palato-digital syndrome, type II; Heterotopia, periventricular, X-linked dominant; Frontometaphyseal dysplasia; Melnick-Needles syndrome. Last evaluated: 2025-07-24. Review status: criteria provided, single submitter. Criteria: Invitae Variant Classification Sherloc (09022015). Collection method: clinical testing. Allele origin: germline.
Comment: This sequence change replaces proline, which is neutral and non-polar, with serine, which is neutral and polar, at codon 2057 of the FLNA protein (p.Pro2057Ser). This variant is not present in population databases (gnomAD no frequency). This variant has not been reported in the literature in individuals affected with FLNA-related conditions. ClinVar contains an entry for this variant (Variation ID: 807859). Invitae Evidence Modeling of protein sequence and biophysical properties (such as structural, functional, and spatial information, amino acid conservation, physicochemical variation, residue mobility, and thermodynamic stability) indicates that this missense variant is not expected to disrupt FLNA protein function with a negative predictive value of 95%. In summary, the available evidence is currently insufficient to determine the role of this variant in disease. Therefore, it has been classified as a Variant of Uncertain Significance.

Ambry Genetics
Classification: Uncertain significance for Familial thoracic aortic aneurysm and aortic dissection. Last evaluated: 2024-11-04. Review status: criteria provided, single submitter. Criteria: Ambry Variant Classification Scheme 2023. Collection method: clinical testing. Allele origin: germline.
Comment: The p.P2057S variant (also known as c.6169C>T), located in coding exon 36 of the FLNA gene, results from a C to T substitution at nucleotide position 6169. The proline at codon 2057 is replaced by serine, an amino acid with similar properties. This amino acid position is well conserved in available vertebrate species. In addition, this alteration is predicted to be tolerated by in silico analysis. Based on the available evidence, the clinical significance of this variant remains unclear.

CeGaT Center for Human Genetics Tuebingen
Classification: Uncertain significance. Last evaluated: 2018-10-01. Review status: criteria provided, single submitter. Criteria: CeGaT Center For Human Genetics Tuebingen Variant Classification Criteria Version 2. Collection method: clinical testing. Allele origin: germline. Affected: yes. Observed: 2 variant alleles.

NM_001110556.2(FLNA):c.6193C>T (p.Pro2065Ser)

Gene: FLNA (filamin A; minus strand). Cytogenetic location: Xq28.
Variant type: single nucleotide variant.
Coding change: c.6193C>T on transcript NM_001110556.2 (MANE Select); coding-DNA position 6193, C replaced by T.
Protein change: p.Pro2065Ser; replaces proline 2065 with serine.
Molecular consequence: missense variant.
Genome position (GRCh38, 1-based): chrX:154,353,034, G>A on the plus strand (C>T on the coding strand, the complement: FLNA is on the minus strand). VCF-style: chrX-154353034-G-A. GRCh37 (hg19) VCF-style: chrX-153581402-G-A.
Other names: c.6169C>T (NM_001456.3); c.6169C>T, p.Pro2057Ser (NM_001456.4); short protein forms P2057S, P2065S.
Identifiers: ClinVar variation 807859 (VCV000807859.46), dbSNP rs1603359334, ClinGen allele CA415195308.